The following is an entry in ClinVar:

NM_017755.6(NSUN2):c.1305G>A (p.Trp435Ter)

Gene: NSUN2 (NOP2/Sun RNA methyltransferase 2; minus strand). Cytogenetic location: 5p15.31.
Variant type: single nucleotide variant.
Coding change: c.1305G>A on transcript NM_017755.6 (MANE Select); coding-DNA position 1305, G replaced by A.
Protein change: p.Trp435Ter; replaces tryptophan 435 with a stop codon.
Molecular consequence: nonsense. On other transcripts: non-coding transcript variant (1).
Genome position (GRCh38, 1-based): chr5:6,609,844, C>T on the plus strand (G>A on the coding strand, the complement: NSUN2 is on the minus strand). VCF-style: chr5-6609844-C-T. GRCh37 (hg19) VCF-style: chr5-6609957-C-T.
Other names: c.1200G>A, p.Trp400Ter (NM_001193455.2); short protein forms W400*, W435*.
Identifiers: ClinVar variation 664755 (VCV000664755.6), dbSNP rs1579360593, ClinGen allele CA359119959.
Genomic context (GRCh38, chr5:6,609,844, plus strand): 5'-CAAGATCAAATGTTATGTCATTTTGGAAAAAGAAAAACTCACCTTTGGCTGACGTTTATT[C>T]CACGGCATTGAAGATTTTTTCACCAATACTGCCACAAAAAACCCTCCAGTATTCTGATGA-3'

ClinVar aggregate classification (germline): Pathogenic (1 of 4 stars; one submission).

Allele frequency attached by ClinVar (database versions not stated): gnomAD exomes below 0.00001.
gnomAD v4.1: 1 of 1,613,428 alleles (0.000062%); highest among the groups gnomAD compares: Non-Finnish European, 0.000085%; no homozygotes.

Submission:

Labcorp Genetics (formerly Invitae), Labcorp
Classification: Pathogenic. Last evaluated: 2018-08-13. Review status: criteria provided, single submitter. Criteria: Invitae Variant Classification Sherloc (09022015). Collection method: clinical testing. Allele origin: germline.
Comment: For these reasons, this variant has been classified as Pathogenic. Loss-of-function variants in NSUN2 are known to be pathogenic (PMID: 22541559, 22577224). This sequence change creates a premature translational stop signal (p.Trp435*) in the NSUN2 gene. It is expected to result in an absent or disrupted protein product. This variant is not present in population databases (ExAC no frequency). This variant has not been reported in the literature in individuals with NSUN2-related disease.

Literature cited by the submitters: PubMed 22541559; PubMed 22577224.